The following is an entry in ClinVar:

NM_012434.5(SLC17A5):c.1481G>C (p.Arg494Thr)

Gene: SLC17A5 (solute carrier family 17 member 5; minus strand). Cytogenetic location: 6q13.
Variant type: single nucleotide variant.
Coding change: c.1481G>C on transcript NM_012434.5 (MANE Select); coding-DNA position 1481, G replaced by C.
Protein change: p.Arg494Thr; replaces arginine 494 with threonine.
Molecular consequence: missense variant.
Genome position (GRCh38, 1-based): chr6:73,595,084, C>G on the plus strand (G>C on the coding strand, the complement: SLC17A5 is on the minus strand). VCF-style: chr6-73595084-C-G. GRCh37 (hg19) VCF-style: chr6-74304807-C-G.
Other names: c.1250G>C, p.Arg417Thr (NM_001382629.1); c.1390G>C, p.Asp464His (NM_001382630.1); c.1502G>C, p.Arg501Thr (NM_001382631.1); c.1394G>C, p.Arg465Thr (NM_001382632.1); c.1579G>C, p.Asp527His (NM_001382633.1); c.1322G>C, p.Arg441Thr (NM_001382634.1); c.1478G>C, p.Arg493Thr (NM_001382635.1); c.1163G>C, p.Arg388Thr (NM_001382636.1); and 1 more; short protein forms D464H, R388T, R441T, R465T, R494T, D527H, R417T, R493T.
Identifiers: ClinVar variation 1389321 (VCV001389321.6), dbSNP rs201009218, ClinGen allele CA3890247.
Genomic context (GRCh38, chr6:73,595,084, plus strand): 5'-TTACATGATAAATAAAAATACATTAATAGAGGCAGGATTATTTATTGGTTCCTTCAGTGT[C>G]TGTGTCCATGGTGATCATTGAGAGCCCAGTTTTGTACTTCACCTTTGGCGAATAGTGTAA-3'
Protein context (NP_036566.1, residues 484-495): NWALNDHHGH[Arg494Thr]H

ClinVar aggregate classification (germline): Uncertain significance. Review status: criteria provided, multiple submitters, no conflicts (2 of 4 stars). 2 submissions from 2 submitters: Uncertain significance (2). Last evaluated 2026-07-26.

Conditions:
Inborn genetic diseases. Identifiers: MedGen C0950123, MeSH D030342.
Salla disease (SD). Also called: Infantile sialic acid storage disorder (ISSD); Sialuria, Finnish type; N-acetylneuraminic acid (NANA) storage disease (NSD); Less Severe FSASD (Salla Disease). Identifiers: Orphanet 309334, Orphanet 834, MedGen C1096903, MONDO:0011449, OMIM 604369.

Allele frequency attached by ClinVar (database versions not stated): gnomAD 0.00002 and 0.00001; gnomAD exomes 0.00002; ExAC 0.00001; TOPMed 0.00005.
gnomAD v4.1: 15 of 1,613,986 alleles (0.00093%); highest among the groups gnomAD compares: Admixed American, 0.013%; no homozygotes.

Submissions (2):

Ambry Genetics
Classification: Uncertain significance for Inborn genetic diseases. Last evaluated: 2026-07-26. Review status: criteria provided, single submitter. Criteria: Ambry Variant Classification Scheme 2023. Collection method: clinical testing. Allele origin: germline.
Comment: The p.R494T variant (also known as c.1481G>C), located in coding exon 11 of the SLC17A5 gene, results from a G to C substitution at nucleotide position 1481. The arginine at codon 494 is replaced by threonine, an amino acid with similar properties. This amino acid position is conserved. In addition, this alteration is predicted to be tolerated by in silico analysis. Based on the available evidence, the clinical significance of this variant remains unclear.

Labcorp Genetics (formerly Invitae), Labcorp
Classification: Uncertain significance for Salla disease. Last evaluated: 2022-05-24. Review status: criteria provided, single submitter. Criteria: Invitae Variant Classification Sherloc (09022015). Collection method: clinical testing. Allele origin: germline.
Comment: This sequence change replaces arginine, which is basic and polar, with threonine, which is neutral and polar, at codon 494 of the SLC17A5 protein (p.Arg494Thr). This variant is present in population databases (rs201009218, gnomAD 0.009%). This variant has not been reported in the literature in individuals affected with SLC17A5-related conditions. Algorithms developed to predict the effect of missense changes on protein structure and function (SIFT, PolyPhen-2, Align-GVGD) all suggest that this variant is likely to be tolerated. In summary, the available evidence is currently insufficient to determine the role of this variant in disease. Therefore, it has been classified as a Variant of Uncertain Significance.